The following is an entry in ClinVar:

NM_000079.4(CHRNA1):c.451A>G (p.Ile151Val)

Gene: CHRNA1 (cholinergic receptor nicotinic alpha 1 subunit; minus strand). Cytogenetic location: 2q31.1.
Variant type: single nucleotide variant.
Coding change: c.451A>G on transcript NM_000079.4 (MANE Select); coding-DNA position 451, A replaced by G.
Protein change: p.Ile151Val; replaces isoleucine 151 with valine.
Molecular consequence: missense variant.
Genome position (GRCh38, 1-based): chr2:174,754,308, T>C on the plus strand (A>G on the coding strand, the complement: CHRNA1 is on the minus strand). VCF-style: chr2-174754308-T-C. GRCh37 (hg19) VCF-style: chr2-175619036-T-C.
Other names: c.526A>G, p.Ile176Val (NM_001039523.3); short protein forms I151V, I176V.
Identifiers: ClinVar variation 2063248 (VCV002063248.4), dbSNP rs560121316, ClinGen allele CA349341279.

ClinVar aggregate classification (germline): Uncertain significance (1 of 4 stars; one submission).

Conditions:
Lethal multiple pterygium syndrome (LMPS). Identifiers: Orphanet 33108, MedGen C1854678, MONDO:0009668, OMIM 253290.

Allele frequency attached by ClinVar (database versions not stated): TOPMed below 0.00001.
gnomAD v4.1: 5 of 1,614,178 alleles (0.00031%); highest among the groups gnomAD compares: Non-Finnish European, 0.00042%; no homozygotes.

Submission:

Labcorp Genetics (formerly Invitae), Labcorp
Classification: Uncertain significance for Lethal multiple pterygium syndrome. Last evaluated: 2022-01-11. Review status: criteria provided, single submitter. Criteria: Invitae Variant Classification Sherloc (09022015). Collection method: clinical testing. Allele origin: germline.
Comment: This sequence change replaces isoleucine, which is neutral and non-polar, with valine, which is neutral and non-polar, at codon 151 of the CHRNA1 protein (p.Ile151Val). This variant is not present in population databases (gnomAD no frequency). In summary, the available evidence is currently insufficient to determine the role of this variant in disease. Therefore, it has been classified as a Variant of Uncertain Significance. Advanced modeling of protein sequence and biophysical properties (such as structural, functional, and spatial information, amino acid conservation, physicochemical variation, residue mobility, and thermodynamic stability) performed at Invitae indicates that this missense variant is not expected to disrupt CHRNA1 protein function. This variant has not been reported in the literature in individuals affected with CHRNA1-related conditions.